The following is an entry in ClinVar:

NM_002485.5(NBN):c.2021G>T (p.Gly674Val)

Gene: NBN (nibrin; minus strand). Cytogenetic location: 8q21.3.
Variant type: single nucleotide variant.
Coding change: c.2021G>T on transcript NM_002485.5 (MANE Select); coding-DNA position 2021, G replaced by T.
Protein change: p.Gly674Val; replaces glycine 674 with valine.
Molecular consequence: missense variant.
Genome position (GRCh38, 1-based): chr8:89,946,189, C>A on the plus strand (G>T on the coding strand, the complement: NBN is on the minus strand). VCF-style: chr8-89946189-C-A. GRCh37 (hg19) VCF-style: chr8-90958417-C-A.
Other names: c.1775G>T, p.Gly592Val (NM_001024688.3); short protein forms G674V, G592V.
Identifiers: ClinVar variation 628692 (VCV000628692.13), dbSNP rs1563513080, ClinGen allele CA371676425.

ClinVar aggregate classification (germline): Uncertain significance. Review status: criteria provided, multiple submitters, no conflicts (2 of 4 stars). 2 submissions from 2 submitters: Uncertain significance (2). Last evaluated 2022-11-23.

Conditions:
Microcephaly, normal intelligence and immunodeficiency (NBS). Also called: BERLIN BREAKAGE SYNDROME; Ataxia telangiectasia variant V1; IMMUNODEFICIENCY, MICROCEPHALY, AND CHROMOSOMAL INSTABILITY; SEEMANOVA SYNDROME II; Immunodeficiency, microcephaly with normal intelligence; Nijmegen breakage syndrome. Identifiers: Orphanet 647, MedGen C0398791, MONDO:0009623, OMIM 251260.
Hereditary cancer-predisposing syndrome. Also called: Tumor predisposition; Neoplastic Syndromes, Hereditary; Hereditary Cancer Syndrome; Hereditary neoplastic syndrome. Identifiers: Orphanet 140162, MedGen C0027672, MeSH D009386, MONDO:0015356.

Submissions (2):

Labcorp Genetics (formerly Invitae), Labcorp
Classification: Uncertain significance for Microcephaly, normal intelligence and immunodeficiency. Last evaluated: 2022-11-23. Review status: criteria provided, single submitter. Criteria: Invitae Variant Classification Sherloc (09022015). Collection method: clinical testing. Allele origin: germline.
Comment: Algorithms developed to predict the effect of missense changes on protein structure and function output the following: SIFT: "Tolerated"; PolyPhen-2: "Benign"; Align-GVGD: "Class C0". The valine amino acid residue is found in multiple mammalian species, which suggests that this missense change does not adversely affect protein function. This sequence change replaces glycine, which is neutral and non-polar, with valine, which is neutral and non-polar, at codon 674 of the NBN protein (p.Gly674Val). This variant is not present in population databases (gnomAD no frequency). This variant has not been reported in the literature in individuals affected with NBN-related conditions. ClinVar contains an entry for this variant (Variation ID: 628692). In summary, the available evidence is currently insufficient to determine the role of this variant in disease. Therefore, it has been classified as a Variant of Uncertain Significance.

Ambry Genetics
Classification: Uncertain significance for Hereditary cancer-predisposing syndrome. Last evaluated: 2021-04-29. Review status: criteria provided, single submitter. Criteria: Ambry Variant Classification Scheme 2023. Collection method: clinical testing. Allele origin: germline.
Comment: The p.G674V variant (also known as c.2021G>T), located in coding exon 13 of the NBN gene, results from a G to T substitution at nucleotide position 2021. The glycine at codon 674 is replaced by valine, an amino acid with dissimilar properties. This amino acid position is not well conserved in available vertebrate species. In addition, this alteration is predicted to be tolerated by in silico analysis. Since supporting evidence is limited at this time, the clinical significance of this alteration remains unclear.